The following is an entry in ClinVar:

ClinVar aggregate classification (germline): Conflicting classifications of pathogenicity. Review status: criteria provided, conflicting classifications (1 of 4 stars). 2 submissions from 2 submitters: Uncertain significance (1); Likely benign (1). Last evaluated 2023-06-01.

Conditions:
Cortical dysplasia-focal epilepsy syndrome (PTHSL1). Also called: Pitt-Hopkins-like syndrome 1. Identifiers: Orphanet 163681, Orphanet 221150, MedGen C2750246, MONDO:0012400, OMIM 610042.

Allele frequency attached by ClinVar (database versions not stated): TOPMed 0.00027; 1000 Genomes Project 0.00040; 1000 Genomes Project 30x 0.00047.

Submissions (2):

CeGaT Center for Human Genetics Tuebingen
Classification: Likely benign. Last evaluated: 2023-06-01. Review status: criteria provided, single submitter. Criteria: CeGaT Center For Human Genetics Tuebingen Variant Classification Criteria Version 2. Collection method: clinical testing. Allele origin: germline. Affected: yes. Observed: 2 variant alleles.
Comment: CNTNAP2: BS2

Illumina Laboratory Services, Illumina
Classification: Uncertain significance for Cortical dysplasia-focal epilepsy syndrome. Last evaluated: 2018-01-13. Review status: criteria provided, single submitter. Criteria: ICSL Variant Classification Criteria 13 December 2019. Collection method: clinical testing. Allele origin: germline.

NM_014141.6(CNTNAP2):c.*5281G>A

Gene: CNTNAP2 (contactin associated protein 2; plus strand). Cytogenetic location: 7q36.1.
Variant type: single nucleotide variant.
Coding change: c.*5281G>A on transcript NM_014141.6 (MANE Select); 5281 bases downstream of the stop codon, G replaced by A.
Molecular consequence: 3 prime UTR variant.
Genome position (GRCh38, 1-based): chr7:148,420,897, G>A. VCF-style: chr7-148420897-G-A. GRCh37 (hg19) VCF-style: chr7-148117989-G-A.
Identifiers: ClinVar variation 910578 (VCV000910578.31), dbSNP rs540704185, ClinGen allele CA168857795.